The following is an entry in ClinVar:

ClinVar aggregate classification (germline): Uncertain significance (1 of 4 stars; one submission).

Submission:

GeneDx
Classification: Uncertain significance. Last evaluated: 2025-03-08. Review status: criteria provided, single submitter. Criteria: GeneDx Variant Classification Process June 2021. Collection method: clinical testing. Allele origin: germline. Affected: yes.
Comment: Not observed at significant frequency in large population cohorts (gnomAD); In silico analysis indicates that this missense variant does not alter protein structure/function; Has not been previously published as pathogenic or benign to our knowledge

NM_130839.5(UBE3A):c.304A>G (p.Asn102Asp)

Genes: SNHG14 (small nucleolar RNA host gene 14; plus strand), UBE3A (ubiquitin protein ligase E3A; minus strand). Cytogenetic location: 15q11.2.
Variant type: single nucleotide variant.
Coding change: c.304A>G on transcript NM_130839.5 (MANE Select); coding-DNA position 304, A replaced by G.
Protein change: p.Asn102Asp; replaces asparagine 102 with aspartic acid.
Molecular consequence: missense variant. On other transcripts: non-coding transcript variant (1).
Genome position (GRCh38, 1-based): chr15:25,375,522, T>C on the plus strand (A>G on the coding strand, the complement: UBE3A is on the minus strand). VCF-style: chr15-25375522-T-C. GRCh37 (hg19) VCF-style: chr15-25620669-T-C.
Other names: c.313A>G, p.Asn105Asp (NM_000462.5); c.304A>G, p.Asn102Asp (NM_001354505.1, NM_001354538.2, NM_001354545.2 and 1 more transcripts); c.244A>G, p.Asn82Asp (NM_001354506.2, NM_001354507.2, NM_001354508.2 and 18 more transcripts); c.127A>G, p.Asn43Asp (NM_001354546.2); short protein forms N102D, N105D, N43D, N82D.
Identifiers: ClinVar variation 4083138 (VCV004083138.1).